The following is an entry in ClinVar:

NM_001101362.3(KBTBD13):c.154G>A (p.Val52Ile)

Gene: KBTBD13 (kelch repeat and BTB domain containing 13; plus strand). Cytogenetic location: 15q22.31.
Variant type: single nucleotide variant.
Coding change: c.154G>A on transcript NM_001101362.3 (MANE Select); coding-DNA position 154, G replaced by A.
Protein change: p.Val52Ile; replaces valine 52 with isoleucine.
Molecular consequence: missense variant.
Genome position (GRCh38, 1-based): chr15:65,076,969, G>A. VCF-style: chr15-65076969-G-A. GRCh37 (hg19) VCF-style: chr15-65369307-G-A.
Other names: short protein forms V52I.
Identifiers: ClinVar variation 1433029 (VCV001433029.6), dbSNP rs1268655819, ClinGen allele CA392856745.

ClinVar aggregate classification (germline): Uncertain significance (1 of 4 stars; one submission).

Conditions:
Nemaline myopathy 6 (NEM6). Also called: Nemaline myopathy 6, autosomal dominant. Identifiers: Orphanet 171439, MedGen C1836472, MONDO:0012237, OMIM 609273.

Allele frequency attached by ClinVar (database versions not stated): gnomAD 0.00001; gnomAD exomes 0.00002.

Submission:

Labcorp Genetics (formerly Invitae), Labcorp
Classification: Uncertain significance for Nemaline myopathy 6. Last evaluated: 2024-02-24. Review status: criteria provided, single submitter. Criteria: Invitae Variant Classification Sherloc (09022015). Collection method: clinical testing. Allele origin: germline.
Comment: This sequence change replaces valine, which is neutral and non-polar, with isoleucine, which is neutral and non-polar, at codon 52 of the KBTBD13 protein (p.Val52Ile). The frequency data for this variant in the population databases is considered unreliable, as metrics indicate poor data quality at this position in the gnomAD database. This variant has not been reported in the literature in individuals affected with KBTBD13-related conditions. ClinVar contains an entry for this variant (Variation ID: 1433029). Advanced modeling of protein sequence and biophysical properties (such as structural, functional, and spatial information, amino acid conservation, physicochemical variation, residue mobility, and thermodynamic stability) performed at Invitae indicates that this missense variant is not expected to disrupt KBTBD13 protein function with a negative predictive value of 80%. In summary, the available evidence is currently insufficient to determine the role of this variant in disease. Therefore, it has been classified as a Variant of Uncertain Significance.